The following is an entry in ClinVar:

ClinVar aggregate classification (germline): Conflicting classifications of pathogenicity. Review status: criteria provided, conflicting classifications (1 of 4 stars). 5 submissions from 5 submitters: Uncertain significance (4); Likely benign (1). Last evaluated 2026-04-01.

Conditions:
Primary ciliary dyskinesia. Also called: Ciliary dyskinesia. Identifiers: Orphanet 244, MedGen C0008780, MONDO:0016575, HP:0012265.
DNAH11-related disorder. Also called: DNAH11-related condition.
Primary ciliary dyskinesia 7. Also called: CILIARY DYSKINESIA, PRIMARY, 7, WITH OR WITHOUT SITUS INVERSUS. Identifiers: Orphanet 244, MedGen C2678473, MONDO:0012748, OMIM 611884.

Allele frequency attached by ClinVar (database versions not stated): gnomAD 0.00001; gnomAD exomes 0.00001; ExAC 0.00002; TOPMed 0.00002.
gnomAD v4.1: 17 of 1,527,292 alleles (0.0011%); highest among the groups gnomAD compares: Non-Finnish European, 0.0014%; no homozygotes.

Submissions (5):

Ambry Genetics
Classification: Uncertain significance for Primary ciliary dyskinesia. Last evaluated: 2026-04-01. Review status: criteria provided, single submitter. Criteria: Ambry Variant Classification Scheme 2023. Collection method: clinical testing. Allele origin: germline.

GeneDx
Classification: Uncertain significance. Last evaluated: 2025-12-23. Review status: criteria provided, single submitter. Criteria: GeneDx Variant Classification Process June 2021. Collection method: clinical testing. Allele origin: germline.
Comment: In silico analysis supports that this missense variant has a deleterious effect on protein structure/function; Has not been previously published as pathogenic or benign to our knowledge

PreventionGenetics, part of Exact Sciences
Classification: Uncertain significance for DNAH11-related condition. Last evaluated: 2024-12-27. Review status: criteria provided, single submitter. Criteria: ACMG Guidelines, 2015. Collection method: clinical testing. Allele origin: germline.
Comment: The DNAH11 c.8515C>T variant is predicted to result in the amino acid substitution p.Arg2839Cys. To our knowledge, this variant has not been reported in the literature. This variant is reported in 0.0036% of alleles in individuals of European (Non-Finnish) descent in gnomAD. At this time, the clinical significance of this variant is uncertain due to the absence of conclusive functional and genetic evidence.

Labcorp Genetics (formerly Invitae), Labcorp
Classification: Likely benign for Primary ciliary dyskinesia. Last evaluated: 2023-07-16. Review status: criteria provided, single submitter. Criteria: Invitae Variant Classification Sherloc (09022015). Collection method: clinical testing. Allele origin: germline.

Illumina Laboratory Services, Illumina
Classification: Uncertain significance for Primary ciliary dyskinesia 7. Last evaluated: 2018-01-12. Review status: criteria provided, single submitter. Criteria: ICSL Variant Classification Criteria 13 December 2019. Collection method: clinical testing. Allele origin: germline.

NM_001277115.2(DNAH11):c.8515C>T (p.Arg2839Cys)

Gene: DNAH11 (dynein axonemal heavy chain 11; plus strand). Cytogenetic location: 7p15.3.
Variant type: single nucleotide variant.
Coding change: c.8515C>T on transcript NM_001277115.2 (MANE Select); coding-DNA position 8515, C replaced by T.
Protein change: p.Arg2839Cys; replaces arginine 2839 with cysteine.
Molecular consequence: missense variant.
Genome position (GRCh38, 1-based): chr7:21,748,584, C>T. VCF-style: chr7-21748584-C-T. GRCh37 (hg19) VCF-style: chr7-21788202-C-T.
Other names: short protein forms R2839C.
Identifiers: ClinVar variation 908608 (VCV000908608.11), dbSNP rs770483579, ClinGen allele CA4181634.